The following is an entry in ClinVar:

ClinVar aggregate classification (germline): Uncertain significance (1 of 4 stars; one submission).

Submission:

Labcorp Genetics (formerly Invitae), Labcorp
Classification: Uncertain significance. Last evaluated: 2024-11-18. Review status: criteria provided, single submitter. Criteria: Invitae Variant Classification Sherloc (09022015). Collection method: clinical testing. Allele origin: germline.
Comment: This variant, c.111_131dup, results in the insertion of 7 amino acid(s) of the RGS9BP protein (p.Glu39_Gln45dup), but otherwise preserves the integrity of the reading frame. This variant is not present in population databases (gnomAD no frequency). This variant has not been reported in the literature in individuals affected with RGS9BP-related conditions. ClinVar contains an entry for this variant (Variation ID: 1502594). Experimental studies and prediction algorithms are not available or were not evaluated, and the functional significance of this variant is currently unknown. In summary, the available evidence is currently insufficient to determine the role of this variant in disease. Therefore, it has been classified as a Variant of Uncertain Significance.

NM_207391.3(RGS9BP):c.111_131dup (p.Glu39_Gln45dup)

Gene: RGS9BP (regulator of G protein signaling 9 binding protein; plus strand). Cytogenetic location: 19q13.11.
Variant type: Duplication.
Coding change: c.111_131dup on transcript NM_207391.3 (MANE Select); coding-DNA positions 111 to 131, 21 bases duplicated (GCAGGAGCTGCAAAAGACGCG).
Protein change: p.Glu39_Gln45dup.
Molecular consequence: inframe insertion.
Genome position (GRCh38, 1-based): chr19:32,676,374-32,676,394, GCAGGAGCTGCAAAAGACGCG duplicated; duplicating any 21 consecutive bases within chr19:32,676,371-32,676,394 gives the same sequence; the c. name uses the placement nearest the transcript's 3' end. VCF-style (leftmost placement, unchanged base first): chr19-32676370-T-TGCGGCAGGAGCTGCAAAAGAC. GRCh37 (hg19) VCF-style: chr19-33167276-T-TGCGGCAGGAGCTGCAAAAGAC.
Identifiers: ClinVar variation 1502594 (VCV001502594.6), dbSNP rs2145338530, ClinGen allele CA2573156224.
Genomic context (GRCh38, chr19:32,676,370, plus strand): 5'-CGACTGCGTGCTACCACCACCTGGTGCTGACCGTCGGTGGCTCGGCGGACTCGCAGAACC[T>TGCGGCAGGAGCTGCAAAAGAC]GCGGCAGGAGCTGCAAAAGACGCGCCAGAAGGCGCAGGAGCTGGCGGTGTCCACCTGCGC-3'